The following is an entry in ClinVar:

ClinVar aggregate classification (germline): Uncertain significance (1 of 4 stars; one submission).

Submission:

GeneDx
Classification: Uncertain significance. Last evaluated: 2020-10-08. Review status: criteria provided, single submitter. Criteria: GeneDx Variant Classification Process June 2021. Collection method: clinical testing. Allele origin: germline. Affected: yes.
Comment: Not observed at a significant frequency in large population cohorts (Lek 2016); In silico analysis supports that this missense variant does not alter protein structure/function; Has not been previously published as pathogenic or benign to our knowledge

NM_020937.4(FANCM):c.5185A>C (p.Lys1729Gln)

Gene: FANCM (FA complementation group M; plus strand). Cytogenetic location: 14q21.2.
Variant type: single nucleotide variant.
Coding change: c.5185A>C on transcript NM_020937.4 (MANE Select); coding-DNA position 5185, A replaced by C.
Protein change: p.Lys1729Gln; replaces lysine 1729 with glutamine.
Molecular consequence: missense variant.
Genome position (GRCh38, 1-based): chr14:45,189,207, A>C. VCF-style: chr14-45189207-A-C. GRCh37 (hg19) VCF-style: chr14-45658410-A-C.
Other names: c.5107A>C, p.Lys1703Gln (NM_001308133.2); short protein forms K1703Q, K1729Q.
Identifiers: ClinVar variation 1313307 (VCV001313307.2), dbSNP rs779717644, ClinGen allele CA389612840.